The following is an entry in ClinVar:

NM_000088.4(COL1A1):c.1945G>A (p.Ala649Thr)

Gene: COL1A1 (collagen type I alpha 1 chain; minus strand). Cytogenetic location: 17q21.33.
Variant type: single nucleotide variant.
Coding change: c.1945G>A on transcript NM_000088.4 (MANE Select); coding-DNA position 1945, G replaced by A.
Protein change: p.Ala649Thr; replaces alanine 649 with threonine.
Molecular consequence: missense variant.
Genome position (GRCh38, 1-based): chr17:50,192,513, C>T on the plus strand (G>A on the coding strand, the complement: COL1A1 is on the minus strand). VCF-style: chr17-50192513-C-T. GRCh37 (hg19) VCF-style: chr17-48269874-C-T.
Other names: short protein forms A649T.
Identifiers: ClinVar variation 1517202 (VCV001517202.6), dbSNP rs2144563154, ClinGen allele CA400213401.

ClinVar aggregate classification (germline): Uncertain significance (1 of 4 stars; one submission).

Conditions:
Osteogenesis imperfecta type I (OI1). Also called: Lobstein disease; Osteogenesis imperfecta type 1; Lobstein's Disease; Classic Non-deforming Osteogenesis Imperfecta with Blue Sclerae; OI, TYPE I; OSTEOGENESIS IMPERFECTA TARDA. Identifiers: Orphanet 216796, Orphanet 666, MedGen C0023931, MONDO:0008146, OMIM 166200. Disease mechanism: loss of function.

Submission:

Labcorp Genetics (formerly Invitae), Labcorp
Classification: Uncertain significance for Osteogenesis imperfecta type I. Last evaluated: 2021-10-20. Review status: criteria provided, single submitter. Criteria: Invitae Variant Classification Sherloc (09022015). Collection method: clinical testing. Allele origin: germline.
Comment: In summary, the available evidence is currently insufficient to determine the role of this variant in disease. Therefore, it has been classified as a Variant of Uncertain Significance. Advanced modeling of protein sequence and biophysical properties (such as structural, functional, and spatial information, amino acid conservation, physicochemical variation, residue mobility, and thermodynamic stability) performed at Invitae indicates that this missense variant is not expected to disrupt COL1A1 protein function. This missense change has been observed in individual(s) with clinical features of osteogenesis imperfecta (Invitae). This variant is not present in population databases (ExAC no frequency). This sequence change replaces alanine with threonine at codon 649 of the COL1A1 protein (p.Ala649Thr). The alanine residue is moderately conserved and there is a small physicochemical difference between alanine and threonine.